The following is an entry in ClinVar:

ClinVar aggregate classification (germline): Uncertain significance. Review status: criteria provided, multiple submitters, no conflicts (2 of 4 stars). 2 submissions from 2 submitters: Uncertain significance (2). Last evaluated 2025-02-02.

Conditions:
Angelman syndrome (AS). Also called: HAPPY PUPPET SYNDROME. Identifiers: Orphanet 72, MedGen C0162635, MONDO:0007113, OMIM 105830. Disease mechanism: loss of function. Inheritance: AS is caused by disruption of maternally imprinted UBE3A located within the 15q11.2-q13 Angelman syndrome/Prader-Willi syndrome (AS/PWS) region., imprinting disorder.

gnomAD v4.1: 3 of 1,614,066 alleles (0.00019%); highest among the groups gnomAD compares: Non-Finnish European, 0.00025%; no homozygotes.

Submissions (2):

Labcorp Genetics (formerly Invitae), Labcorp
Classification: Uncertain significance for Angelman syndrome. Last evaluated: 2025-02-02. Review status: criteria provided, single submitter. Criteria: Invitae Variant Classification Sherloc (09022015). Collection method: clinical testing. Allele origin: germline.
Comment: This sequence change replaces serine, which is neutral and polar, with cysteine, which is neutral and slightly polar, at codon 453 of the UBE3A protein (p.Ser453Cys). This variant is present in population databases (rs762637018, gnomAD 0.0009%). This variant has not been reported in the literature in individuals affected with UBE3A-related conditions. ClinVar contains an entry for this variant (Variation ID: 3381382). Invitae Evidence Modeling of protein sequence and biophysical properties (such as structural, functional, and spatial information, amino acid conservation, physicochemical variation, residue mobility, and thermodynamic stability) indicates that this missense variant is not expected to disrupt UBE3A protein function with a negative predictive value of 80%. In summary, the available evidence is currently insufficient to determine the role of this variant in disease. Therefore, it has been classified as a Variant of Uncertain Significance.

GeneDx
Classification: Uncertain significance. Last evaluated: 2024-05-25. Review status: criteria provided, single submitter. Criteria: GeneDx Variant Classification Process June 2021. Collection method: clinical testing. Allele origin: germline. Affected: yes.
Comment: Not observed at significant frequency in large population cohorts (gnomAD); In silico analysis supports that this missense variant has a deleterious effect on protein structure/function; Has not been previously published as pathogenic or benign to our knowledge

NM_130839.5(UBE3A):c.1418C>G (p.Ser473Cys)

Genes: SNHG14 (small nucleolar RNA host gene 14; plus strand), UBE3A (ubiquitin protein ligase E3A; minus strand). Cytogenetic location: 15q11.2.
Variant type: single nucleotide variant.
Coding change: c.1418C>G on transcript NM_130839.5 (MANE Select); coding-DNA position 1418, C replaced by G.
Protein change: p.Ser473Cys; replaces serine 473 with cysteine.
Molecular consequence: missense variant. On other transcripts: non-coding transcript variant (1), intron variant (2).
Genome position (GRCh38, 1-based): chr15:25,370,756, G>C on the plus strand (C>G on the coding strand, the complement: UBE3A is on the minus strand). VCF-style: chr15-25370756-G-C. GRCh37 (hg19) VCF-style: chr15-25615903-G-C.
Other names: c.1427C>G, p.Ser476Cys (NM_000462.5); c.1418C>G, p.Ser473Cys (NM_001354505.1, NM_001354538.2, NM_001354545.2); c.1358C>G, p.Ser453Cys (NM_001354506.2, NM_001354507.2, NM_001354508.2 and 17 more transcripts); c.301+4709C>G (NM_001354551.2); c.361+4709C>G (NM_001354550.2); c.1241C>G, p.Ser414Cys (NM_001354546.2); short protein forms S414C, S453C, S473C, S476C.
Identifiers: ClinVar variation 3381382 (VCV003381382.2).